The following is an entry in ClinVar:

ClinVar aggregate classification (germline): Uncertain significance (1 of 4 stars; one submission).

Conditions:
Inborn genetic diseases. Identifiers: MedGen C0950123, MeSH D030342.

Allele frequency attached by ClinVar (database versions not stated): gnomAD exomes below 0.00001.

Submission:

Ambry Genetics
Classification: Uncertain significance for Inborn genetic diseases. Last evaluated: 2025-08-10. Review status: criteria provided, single submitter. Criteria: Ambry Variant Classification Scheme 2023. Collection method: clinical testing. Allele origin: germline.
Comment: The p.E10G variant (also known as c.29A>G), located in coding exon 1 of the ASXL1 gene, results from an A to G substitution at nucleotide position 29. The glutamic acid at codon 10 is replaced by glycine, an amino acid with similar properties. This amino acid position is conserved. In addition, this alteration is predicted to be tolerated by in silico analysis. Based on the available evidence, the clinical significance of this variant remains unclear.

NM_015338.6(ASXL1):c.29A>G (p.Glu10Gly)

Gene: ASXL1 (ASXL transcriptional regulator 1; plus strand). Cytogenetic location: 20q11.21.
Variant type: single nucleotide variant.
Coding change: c.29A>G on transcript NM_015338.6 (MANE Select); coding-DNA position 29, A replaced by G.
Protein change: p.Glu10Gly; replaces glutamic acid 10 with glycine.
Molecular consequence: missense variant.
Genome position (GRCh38, 1-based): chr20:32,358,804, A>G. VCF-style: chr20-32358804-A-G. GRCh37 (hg19) VCF-style: chr20-30946607-A-G.
Other names: c.29A>G, p.Glu10Gly (NM_001164603.1); short protein forms E10G.
Identifiers: ClinVar variation 2271945 (VCV002271945.3), dbSNP rs2515137140, ClinGen allele CA408575340.